The following is an entry in ClinVar:

ClinVar aggregate classification (germline): Uncertain significance (1 of 4 stars; one submission).

Conditions:
DICER1-related tumor predisposition. Also called: DICER1 syndrome; DICER1-related pleuropulmonary blastoma cancer predisposition syndrome. Identifiers: Orphanet 284343, MedGen C3839822, MONDO:0100216.

Allele frequency attached by ClinVar (database versions not stated): TOPMed 0.00001.

Submission:

Labcorp Genetics (formerly Invitae), Labcorp
Classification: Uncertain significance for DICER1-related tumor predisposition. Last evaluated: 2019-08-24. Review status: criteria provided, single submitter. Criteria: Invitae Variant Classification Sherloc (09022015). Collection method: clinical testing. Allele origin: germline.
Comment: In summary, the available evidence is currently insufficient to determine the role of this variant in disease. Therefore, it has been classified as a Variant of Uncertain Significance. Algorithms developed to predict the effect of missense changes on protein structure and function (SIFT, PolyPhen-2, Align-GVGD) all suggest that this variant is likely to be disruptive, but these predictions have not been confirmed by published functional studies and their clinical significance is uncertain. This variant has not been reported in the literature in individuals with DICER1-related conditions. This variant is not present in population databases (ExAC no frequency). This sequence change replaces glutamic acid with glutamine at codon 523 of the DICER1 protein (p.Glu523Gln). The glutamic acid residue is highly conserved and there is a small physicochemical difference between glutamic acid and glutamine.

NM_177438.3(DICER1):c.1567G>C (p.Glu523Gln)

Gene: DICER1 (dicer 1, ribonuclease III; minus strand). Cytogenetic location: 14q32.13.
Variant type: single nucleotide variant.
Coding change: c.1567G>C on transcript NM_177438.3 (MANE Select); coding-DNA position 1567, G replaced by C.
Protein change: p.Glu523Gln; replaces glutamic acid 523 with glutamine.
Molecular consequence: missense variant.
Genome position (GRCh38, 1-based): chr14:95,116,638, C>G on the plus strand (G>C on the coding strand, the complement: DICER1 is on the minus strand). VCF-style: chr14-95116638-C-G. GRCh37 (hg19) VCF-style: chr14-95582975-C-G.
Other names: c.1567G>C, p.Glu523Gln (NM_001195573.1, NM_001271282.3, NM_001291628.2 and 1 more transcripts); short protein forms E523Q.
Identifiers: ClinVar variation 955938 (VCV000955938.11), dbSNP rs1892499712, ClinGen allele CA390885061.
Genomic context (GRCh38, chr14:95,116,638, plus strand): 5'-ATTCTGTGGGCAAATCAAAACGAACCACCAAGTTGCATTTTGGTATATCAACACCCTCTT[C>G]TACAATACTTGTTGCAATAAGCAGGTTGGTCTCATGTGCTCGAAATTTCCTAAGTACCTG-3'
Protein context (NP_803187.1, residues 513-533): TNLLIATSIV[Glu523Gln]EGVDIPKCNL